The following is an entry in ClinVar:

ClinVar aggregate classification (germline): Uncertain significance (1 of 4 stars; one submission).

Allele frequency attached by ClinVar (database versions not stated): gnomAD exomes below 0.00001; gnomAD 0.00001.
gnomAD v4.1: 2 of 1,614,042 alleles (0.00012%); highest among the groups gnomAD compares: African/African-American, 0.0013%; no homozygotes.

Submission:

Ambry Genetics
Classification: Uncertain significance. Last evaluated: 2024-03-27. Review status: criteria provided, single submitter. Criteria: Ambry Variant Classification Scheme 2023. Collection method: clinical testing. Allele origin: germline.
Comment: The p.V735M variant (also known as c.2203G>A), located in coding exon 21 of the KIF1B gene, results from a G to A substitution at nucleotide position 2203. The valine at codon 735 is replaced by methionine, an amino acid with highly similar properties. This amino acid position is conserved. In addition, the in silico prediction for this alteration is inconclusive. Since supporting evidence is limited at this time, the clinical significance of this alteration remains unclear.

NM_001365951.3(KIF1B):c.2341G>A (p.Val781Met)

Gene: KIF1B (kinesin family member 1B; plus strand). Cytogenetic location: 1p36.22.
Variant type: single nucleotide variant.
Coding change: c.2341G>A on transcript NM_001365951.3 (MANE Select); coding-DNA position 2341, G replaced by A.
Protein change: p.Val781Met; replaces valine 781 with methionine.
Molecular consequence: missense variant.
Genome position (GRCh38, 1-based): chr1:10,321,840, G>A. VCF-style: chr1-10321840-G-A. GRCh37 (hg19) VCF-style: chr1-10381898-G-A.
Other names: c.2341G>A, p.Val781Met (NM_001365952.1); c.2203G>A, p.Val735Met (NM_015074.3); short protein forms V781M, V735M.
Identifiers: ClinVar variation 1787666 (VCV001787666.2), dbSNP rs1396889733, ClinGen allele CA338333238.